The following is an entry in ClinVar:

ClinVar aggregate classification (germline): Uncertain significance (1 of 4 stars; one submission).

Allele frequency attached by ClinVar (database versions not stated): gnomAD exomes below 0.00001; ExAC 0.00001.
gnomAD v4.1: 2 of 1,614,050 alleles (0.00012%); highest among the groups gnomAD compares: Admixed American, 0.0033%; no homozygotes.

Submission:

Labcorp Genetics (formerly Invitae), Labcorp
Classification: Uncertain significance. Last evaluated: 2023-04-18. Review status: criteria provided, single submitter. Criteria: Invitae Variant Classification Sherloc (09022015). Collection method: clinical testing. Allele origin: germline.
Comment: This sequence change replaces isoleucine, which is neutral and non-polar, with methionine, which is neutral and non-polar, at codon 67 of the MYO5B protein (p.Ile67Met). In summary, the available evidence is currently insufficient to determine the role of this variant in disease. Therefore, it has been classified as a Variant of Uncertain Significance. Advanced modeling of protein sequence and biophysical properties (such as structural, functional, and spatial information, amino acid conservation, physicochemical variation, residue mobility, and thermodynamic stability) has been performed at Invitae for this missense variant, however the output from this modeling did not meet the statistical confidence thresholds required to predict the impact of this variant on MYO5B protein function. This variant has not been reported in the literature in individuals affected with MYO5B-related conditions. This variant is present in population databases (rs757104329, gnomAD 0.006%).

NM_001080467.3(MYO5B):c.201C>G (p.Ile67Met)

Gene: MYO5B (myosin VB; minus strand). Cytogenetic location: 18q21.1.
Variant type: single nucleotide variant.
Coding change: c.201C>G on transcript NM_001080467.3 (MANE Select); coding-DNA position 201, C replaced by G.
Protein change: p.Ile67Met; replaces isoleucine 67 with methionine.
Molecular consequence: missense variant.
Genome position (GRCh38, 1-based): chr18:50,040,252, G>C on the plus strand (C>G on the coding strand, the complement: MYO5B is on the minus strand). VCF-style: chr18-50040252-G-C. GRCh37 (hg19) VCF-style: chr18-47566622-G-C.
Other names: short protein forms I67M.
Identifiers: ClinVar variation 2788713 (VCV002788713.1), dbSNP rs757104329, ClinGen allele CA8961947.